The following is an entry in ClinVar:

NM_000198.4(HSD3B2):c.1034G>A (p.Trp345Ter)

Gene: HSD3B2 (hydroxy-delta-5-steroid dehydrogenase, 3 beta- and steroid delta-isomerase 2; plus strand). Cytogenetic location: 1p12.
Variant type: single nucleotide variant.
Coding change: c.1034G>A on transcript NM_000198.4 (MANE Select); coding-DNA position 1034, G replaced by A.
Protein change: p.Trp345Ter; replaces tryptophan 345 with a stop codon.
Molecular consequence: nonsense.
Genome position (GRCh38, 1-based): chr1:119,422,535, G>A. VCF-style: chr1-119422535-G-A. GRCh37 (hg19) VCF-style: chr1-119965158-G-A.
Other names: c.1034G>A, p.Trp345Ter (NM_001166120.2); short protein forms W345*.
Identifiers: ClinVar variation 664296 (VCV000664296.10), dbSNP rs1570823863, ClinGen allele CA341399710.

ClinVar aggregate classification (germline): Likely pathogenic (1 of 4 stars; one submission).

Submission:

Labcorp Genetics (formerly Invitae), Labcorp
Classification: Likely pathogenic. Last evaluated: 2022-02-03. Review status: criteria provided, single submitter. Criteria: Invitae Variant Classification Sherloc (09022015). Collection method: clinical testing. Allele origin: germline.
Comment: This variant has not been reported in the literature in individuals affected with HSD3B2-related conditions. This variant is not present in population databases (gnomAD no frequency). This sequence change creates a premature translational stop signal (p.Trp345*) in the HSD3B2 gene. While this is not anticipated to result in nonsense mediated decay, it is expected to disrupt the last 28 amino acid(s) of the HSD3B2 protein. ClinVar contains an entry for this variant (Variation ID: 664296). In summary, the currently available evidence indicates that the variant is pathogenic, but additional data are needed to prove that conclusively. Therefore, this variant has been classified as Likely Pathogenic. This variant disrupts the C-terminus of the HSD3B2 protein, which has been demonstrated to be critical for enzymatic activity (PMID: 1825279). While functional studies have not been performed to directly test the effect of this variant on HSD3B2 protein function, this suggests that disruption of this region of the protein is causative of disease.

Literature cited by the submitters: PubMed 1825279.